The following is an entry in ClinVar:

NC_000004.11:g.(?_184612449)_(184633797_?)dup

Gene: TRAPPC11 (trafficking protein particle complex subunit 11; plus strand). Cytogenetic location: 4q35.1.
Variant type: Duplication.
Identifiers: ClinVar variation 1412302 (VCV001412302.7).

ClinVar aggregate classification (germline): Uncertain significance (1 of 4 stars; one submission).

Conditions:
Autosomal recessive limb-girdle muscular dystrophy type R18 (LGMDR18). Also called: Limb-girdle muscular dystrophy, type 2S; Autosomal recessive limb-girdle muscular dystrophy type 2S; MUSCULAR DYSTROPHY, LIMB-GIRDLE, AUTOSOMAL RECESSIVE 18. Identifiers: Orphanet 369840, MedGen C4517996, MONDO:0014144, OMIM 615356.

Submission:

Labcorp Genetics (formerly Invitae), Labcorp
Classification: Uncertain significance for Autosomal recessive limb-girdle muscular dystrophy type R18. Last evaluated: 2021-12-02. Review status: criteria provided, single submitter. Criteria: Invitae Variant Classification Sherloc (09022015). Collection method: clinical testing. Allele origin: germline.
Comment: In summary, the available evidence is currently insufficient to determine the role of this variant in disease. Therefore, it has been classified as a Variant of Uncertain Significance. Experimental studies and prediction algorithms are not available or were not evaluated, and the functional significance of this variant is currently unknown. This variant has not been reported in the literature in individuals affected with TRAPPC11-related conditions. This variant results in a copy number gain of the genomic region encompassing exon(s) 19-30 of the TRAPPC11 gene. This region includes the termination codon of the gene. This copy number gain extends beyond the assayed region for this gene and therefore may encompass additional genes. As the precise location of this event is unknown, it may be in tandem or it may be located elsewhere in the genome.